The following is an entry in ClinVar:

ClinVar aggregate classification (germline): Likely pathogenic (1 of 4 stars; one submission).

Conditions:
PKD1-related disorder. Also called: PKD1-related condition.

Submission:

PreventionGenetics, part of Exact Sciences
Classification: Likely pathogenic for PKD1-related condition. Last evaluated: 2023-08-17. Review status: criteria provided, single submitter. Criteria: ACMG Guidelines, 2015. Collection method: clinical testing. Allele origin: germline.
Comment: The PKD1 c.6793_6807del15 variant is predicted to result in an in-frame deletion (p.Tyr2265_Ser2269del). To our knowledge, this variant has not been reported in the literature or in a large population database, indicating this variant is rare. Of note, two different substitutions at the codon 2266, which is located within this in-frame deletion, have been reported in individuals with autosomal dominant polycystic kidney disease (ADPKD) and at least one of them (c.6796C>G, p.Arg2266Gly) can be classified as likely pathogenic, indicating this area is critical for the gene's normal function (c.6796C>G, p.Arg2266Gly at Fujimaru et al. 2018. PubMed ID: 29520754, Suppl. Table S2 and Sekine et al. 2019. PubMed ID: 30820006, Supplementary Fig. 2; c.6797G>C, p.Arg2266Pro at Murphy et al. 2018. PubMed ID: 29606500). Moreover, small in-frame deletions were commonly reported to be pathogenic for autosomal dominant polycystic kidney disease (ADPKD) (Human Gene Mutation Database) and loss-of-function has been known to be the disease-causing mechanism of this gene. Therefore, this in-frame deletion variant is interpreted as likely pathogenic.

NM_001009944.3(PKD1):c.6793_6807del (p.Tyr2265_Ser2269del)

Gene: PKD1 (polycystin 1, transient receptor potential channel interacting; minus strand). Cytogenetic location: 16p13.3.
Variant type: Deletion.
Coding change: c.6793_6807del on transcript NM_001009944.3 (MANE Select); coding-DNA positions 6793 to 6807, 15 bases deleted (TACCGCGTGTGGTCA).
Protein change: p.Tyr2265_Ser2269del.
Molecular consequence: inframe deletion. On other transcripts: inframe indel (1).
Genome position (GRCh38, 1-based): chr16:2,108,360-2,108,374, TGACCACACGCGGTA deleted on the plus strand (TACCGCGTGTGGTCA on the coding strand, the reverse complement: PKD1 is on the minus strand); deleting any 15 consecutive bases within chr16:2,108,360-2,108,377 gives the same sequence; the c. name uses the placement nearest the transcript's 3' end. VCF-style (leftmost placement, unchanged base first): chr16-2108359-CTGACCACACGCGGTA-C. GRCh37 (hg19) VCF-style: chr16-2158360-CTGACCACACGCGGTA-C.
Other names: c.6793_6807del, p.Tyr2265_Ser2269del (NM_000296.4); c.6793_6807del15 (NM_001009944.2).
Identifiers: ClinVar variation 2631019 (VCV002631019.1), dbSNP rs2544800034, ClinGen allele CA2695197395.